The following is an entry in ClinVar:

ClinVar aggregate classification (germline): Pathogenic (1 of 4 stars; one submission).

Conditions:
Familial cancer of breast. Also called: BREAST CANCER, FAMILIAL; Hereditary breast cancer; hereditary breast carcinoma. Identifiers: Orphanet 227535, MedGen C0346153, MONDO:0016419, OMIM 114480. Disease mechanism: loss of function.

Submission:

Myriad Genetics, Inc.
Classification: Pathogenic for Familial cancer of breast. Last evaluated: 2024-01-25. Review status: criteria provided, single submitter. Criteria: Myriad Autosomal Dominant, Autosomal Recessive and X-Linked Classification Criteria (2023). Collection method: clinical testing. Allele origin: unknown.
Comment: This variant is considered pathogenic. This variant creates a frameshift predicted to result in premature protein truncation.

NM_000051.4(ATM):c.5550dup (p.Leu1851fs)

Gene: ATM (ATM serine/threonine kinase; plus strand). Cytogenetic location: 11q22.3.
Variant type: Duplication.
Coding change: c.5550dup on transcript NM_000051.4 (MANE Select); coding-DNA position 5550, one base duplicated (A; older notation c.5550dupA).
Protein change: p.Leu1851fs; shifts the reading frame from leucine 1851.
Molecular consequence: frameshift variant.
Genome position (GRCh38, 1-based): chr11:108,304,728, A duplicated. VCF-style (leftmost placement, unchanged base first): chr11-108304727-T-TA. GRCh37 (hg19) VCF-style: chr11-108175454-T-TA.
Other names: c.5550dup, p.Leu1851fs (NM_001351834.2); short protein forms L1851fs.
Identifiers: ClinVar variation 3148355 (VCV003148355.1), dbSNP rs2546987256, ClinGen allele CA2825001908.
Genomic context (GRCh38, chr11:108,304,727, plus strand): 5'-TATTCTAGGTGAAAACTGACTTTTGTCAGACTGTACTTCCATACTTGATTCATGATATTT[T>TA]ACTCCAAGATACAAATGAATCATGGAGAAATCTGCTTTCTACACATGTTCAGGGATTTTT-3'